The following is an entry in ClinVar:

NM_000719.7(CACNA1C):c.1852G>A (p.Val618Met)

Gene: CACNA1C (calcium voltage-gated channel subunit alpha1 C; plus strand). Cytogenetic location: 12p13.33.
Variant type: single nucleotide variant.
Coding change: c.1852G>A on transcript NM_000719.7 (MANE Select); coding-DNA position 1852, G replaced by A.
Protein change: p.Val618Met; replaces valine 618 with methionine.
Molecular consequence: missense variant.
Genome position (GRCh38, 1-based): chr12:2,567,751, G>A. VCF-style: chr12-2567751-G-A. GRCh37 (hg19) VCF-style: chr12-2676917-G-A.
Other names: c.1852G>A, p.Val618Met (NM_001129827.2, NM_001129829.2, NM_001129830.3 and 18 more transcripts); c.1843G>A, p.Val615Met (NM_001129844.2); short protein forms V618M, V615M.
Identifiers: ClinVar variation 588572 (VCV000588572.11), dbSNP rs775536781, ClinGen allele CA6388862.

ClinVar aggregate classification (germline): Uncertain significance. Review status: criteria provided, multiple submitters, no conflicts (2 of 4 stars). 2 submissions from 2 submitters: Uncertain significance (2). Last evaluated 2024-10-15.

Conditions:
Cardiovascular phenotype. Identifiers: MedGen CN230736.
Long QT syndrome (LQTS). Identifiers: MedGen C0023976, MeSH D008133, MONDO:0002442. Disease mechanism: loss of function. Inheritance: Various modes of inheritance.

Allele frequency attached by ClinVar (database versions not stated): gnomAD exomes below 0.00001 and 0.00001; ExAC 0.00001.
gnomAD v4.1: 11 of 1,613,036 alleles (0.00068%); highest among the groups gnomAD compares: African/African-American, 0.0013%; no homozygotes.

Submissions (2):

Labcorp Genetics (formerly Invitae), Labcorp
Classification: Uncertain significance for Long QT syndrome. Last evaluated: 2024-10-15. Review status: criteria provided, single submitter. Criteria: Invitae Variant Classification Sherloc (09022015). Collection method: clinical testing. Allele origin: germline.
Comment: This sequence change replaces valine, which is neutral and non-polar, with methionine, which is neutral and non-polar, at codon 618 of the CACNA1C protein (p.Val618Met). This variant is present in population databases (rs775536781, gnomAD 0.003%). This variant has not been reported in the literature in individuals affected with CACNA1C-related conditions. ClinVar contains an entry for this variant (Variation ID: 588572). Invitae Evidence Modeling of protein sequence and biophysical properties (such as structural, functional, and spatial information, amino acid conservation, physicochemical variation, residue mobility, and thermodynamic stability) indicates that this missense variant is expected to disrupt CACNA1C protein function with a positive predictive value of 95%. In summary, the available evidence is currently insufficient to determine the role of this variant in disease. Therefore, it has been classified as a Variant of Uncertain Significance.

Ambry Genetics
Classification: Uncertain significance for Cardiovascular phenotype. Last evaluated: 2016-12-19. Review status: criteria provided, single submitter. Criteria: Ambry Variant Classification Scheme 2023. Collection method: clinical testing. Allele origin: germline.
Comment: The p.V618M variant (also known as c.1852G>A), located in coding exon 13 of the CACNA1C gene, results from a G to A substitution at nucleotide position 1852. The valine at codon 618 is replaced by methionine, an amino acid with highly similar properties. This amino acid position is highly conserved in available vertebrate species. In addition, this alteration is predicted to be deleterious by in silico analysis. Since supporting evidence is limited at this time, the clinical significance of this alteration remains unclear.